The following is an entry in ClinVar:

ClinVar aggregate classification (germline): Benign/Likely benign. Review status: criteria provided, multiple submitters, no conflicts (2 of 4 stars). 3 submissions from 3 submitters: Benign (1); Likely benign (2). Last evaluated 2026-01-27.

Allele frequency attached by ClinVar (database versions not stated): 1000 Genomes Project 30x 0.00656; 1000 Genomes Project 0.00739; TOPMed 0.01209; gnomAD 0.01371 and 0.01415; gnomAD exomes 0.01399 and 0.01964; ExAC 0.01419; ESP Exome Variant Server 0.01438.
gnomAD v4.1: 30,128 of 1,588,218 alleles (1.9%); highest among the groups gnomAD compares: Non-Finnish European, 2.2%; 395 homozygotes.

Submissions (3):

Labcorp Genetics (formerly Invitae), Labcorp
Classification: Benign. Last evaluated: 2026-01-27. Review status: criteria provided, single submitter. Criteria: Invitae Variant Classification Sherloc (09022015). Collection method: clinical testing. Allele origin: germline.

GeneDx
Classification: Likely benign. Last evaluated: 2025-03-11. Review status: criteria provided, single submitter. Criteria: GeneDx Variant Classification Process June 2021. Collection method: clinical testing. Allele origin: germline. Affected: yes.
Comment: See Variant Classification Assertion Criteria.

Breakthrough Genomics
Classification: Likely benign. Review status: criteria provided, single submitter. Criteria: ACMG Guidelines, 2015. Collection method: not provided. Allele origin: germline. Inheritance: Unknown mechanism. Affected: yes.

NM_015158.5(KANK1):c.52A>G (p.Ile18Val)

Gene: KANK1 (KN motif and ankyrin repeat domains 1; plus strand). Cytogenetic location: 9p24.3.
Variant type: single nucleotide variant.
Coding change: c.52A>G on transcript NM_015158.5 (MANE Select); coding-DNA position 52, A replaced by G.
Protein change: p.Ile18Val; replaces isoleucine 18 with valine.
Molecular consequence: missense variant. On other transcripts: 5 prime UTR variant (12), non-coding transcript variant (1).
Genome position (GRCh38, 1-based): chr9:710,818, A>G. VCF-style: chr9-710818-A-G. GRCh37 (hg19) VCF-style: chr9-710818-A-G.
Other names: c.52A>G, p.Ile18Val (NM_001256876.3, NM_001256877.3, NM_001354331.2 and 2 more transcripts); c.-423A>G (NM_001354333.2, NM_001354335.2, NM_001354336.2 and 9 more transcripts); short protein forms I18V.
Identifiers: ClinVar variation 1317602 (VCV001317602.14), dbSNP rs61737970, ClinGen allele CA4959834.
Genomic context (GRCh38, chr9:710,818, plus strand): 5'-TAGGTGTATTGCATGTCATTATAATATTCTTTTCTCCCTCTTCTAGGAAAAGCAGGTGAT[A>G]TTCTCAGTGGAGACCAGGACAAGGAACAGAAAGACCCTTACTTTGTGGAGACCCCCTATG-3'
Protein context (NP_055973.2, residues 8-28): NGSASGKAGD[Ile18Val]LSGDQDKEQK